The following is an entry in ClinVar:

NM_002485.5(NBN):c.1177T>C (p.Phe393Leu)

Gene: NBN (nibrin; minus strand). Cytogenetic location: 8q21.3.
Variant type: single nucleotide variant.
Coding change: c.1177T>C on transcript NM_002485.5 (MANE Select); coding-DNA position 1177, T replaced by C.
Protein change: p.Phe393Leu; replaces phenylalanine 393 with leucine.
Molecular consequence: missense variant.
Genome position (GRCh38, 1-based): chr8:89,955,503, A>G on the plus strand (T>C on the coding strand, the complement: NBN is on the minus strand). VCF-style: chr8-89955503-A-G. GRCh37 (hg19) VCF-style: chr8-90967731-A-G.
Other names: c.931T>C, p.Phe311Leu (NM_001024688.3); short protein forms F393L, F311L.
Identifiers: ClinVar variation 411739 (VCV000411739.26), dbSNP rs941732827, ClinGen allele CA16612543.

ClinVar aggregate classification (germline): Conflicting classifications of pathogenicity. Review status: criteria provided, conflicting classifications (1 of 4 stars). 7 submissions from 7 submitters: Uncertain significance (5); Likely benign (1). 1 of the submissions does not count toward it. Last evaluated 2025-06-30.

Conditions:
Microcephaly, normal intelligence and immunodeficiency (NBS). Also called: IMMUNODEFICIENCY, MICROCEPHALY, AND CHROMOSOMAL INSTABILITY; SEEMANOVA SYNDROME II; Immunodeficiency, microcephaly with normal intelligence; Ataxia telangiectasia variant V1; Nijmegen breakage syndrome; Microcephaly with normal intelligence immunodeficiency and lymphoreticular malignancies. Identifiers: Orphanet 647, MedGen C0398791, MONDO:0009623, OMIM 251260.
Hereditary cancer-predisposing syndrome. Also called: Hereditary neoplastic syndrome; Neoplastic Syndromes, Hereditary; Tumor predisposition; Hereditary Cancer Syndrome. Identifiers: Orphanet 140162, MedGen C0027672, MeSH D009386, MONDO:0015356.

Allele frequency attached by ClinVar (database versions not stated): gnomAD exomes below 0.00001 and 0.00001; gnomAD 0.00001; TOPMed 0.00001.
gnomAD v4.1: 19 of 1,613,488 alleles (0.0012%); highest among the groups gnomAD compares: Non-Finnish European, 0.0015%; no homozygotes.

Submissions (7):

GeneDx
Classification: Uncertain significance. Last evaluated: 2025-06-30. Review status: criteria provided, single submitter. Criteria: GeneDx Variant Classification Process June 2021. Collection method: clinical testing. Allele origin: germline. Affected: yes.
Comment: Not observed at significant frequency in large population cohorts (gnomAD); In silico analysis suggests that this missense variant does not alter protein structure/function; Has not been previously published as pathogenic or benign to our knowledge; This variant is associated with the following publications: (PMID: 28539123)

Labcorp Genetics (formerly Invitae), Labcorp
Classification: Uncertain significance for Microcephaly, normal intelligence and immunodeficiency. Last evaluated: 2025-05-12. Review status: criteria provided, single submitter. Criteria: Invitae Variant Classification Sherloc (09022015). Collection method: clinical testing. Allele origin: germline.
Comment: This sequence change replaces phenylalanine, which is neutral and non-polar, with leucine, which is neutral and non-polar, at codon 393 of the NBN protein (p.Phe393Leu). This variant is present in population databases (no rsID available, gnomAD 0.007%). This variant has not been reported in the literature in individuals affected with NBN-related conditions. ClinVar contains an entry for this variant (Variation ID: 411739). An algorithm developed to predict the effect of missense changes on protein structure and function outputs the following: PolyPhen-2: "Benign". The leucine amino acid residue is found in multiple mammalian species, which suggests that this missense change does not adversely affect protein function. In summary, the available evidence is currently insufficient to determine the role of this variant in disease. Therefore, it has been classified as a Variant of Uncertain Significance.

Ambry Genetics
Classification: Likely benign for Hereditary cancer-predisposing syndrome. Last evaluated: 2024-03-06. Review status: criteria provided, single submitter. Criteria: Ambry Variant Classification Scheme 2023. Collection method: clinical testing. Allele origin: germline.

Genome-Nilou Lab
Classification: Uncertain significance for Microcephaly, normal intelligence and immunodeficiency. Last evaluated: 2021-11-07. Review status: criteria provided, single submitter. Criteria: ACMG Guidelines, 2015. Collection method: clinical testing. Allele origin: germline. Affected: no.

Quest Diagnostics Nichols Institute San Juan Capistrano
Classification: Uncertain significance. Last evaluated: 2020-12-10. Review status: criteria provided, single submitter. Criteria: Quest Diagnostics criteria. Collection method: clinical testing. Allele origin: unknown.

Women's Health and Genetics/Laboratory Corporation of America, LabCorp
Classification: Uncertain significance. Last evaluated: 2019-01-07. Review status: criteria provided, single submitter. Criteria: LabCorp Variant Classification Summary - May 2015. Collection method: clinical testing. Allele origin: germline.
Comment: Variant summary: NBN c.1177T>C (p.Phe393Leu) results in a non-conservative amino acid change in the encoded protein sequence. Four of five in-silico tools predict a benign effect of the variant on protein function. The variant allele was found at a frequency of 3.2e-05 in 30914 control chromosomes. The available data on variant occurrences in the general population are insufficient to allow any conclusion about variant significance. To our knowledge, no occurrence of c.1177T>C in individuals affected with Nijmegen Breakage Syndrome and no experimental evidence demonstrating its impact on protein function have been reported. Two clinical diagnostic laboratories have submitted clinical-significance assessments for this variant to ClinVar after 2014 without evidence for independent evaluation. All laboratories classified the variant as uncertain significance. Based on the evidence outlined above, the variant was classified as uncertain significance.

Natera, Inc.
Classification: Uncertain significance for Nijmegen breakage syndrome. Last evaluated: 2020-04-14. Review status: no assertion criteria provided. Collection method: clinical testing. Allele origin: germline. Not counted in ClinVar's aggregate classification.